The following is an entry in ClinVar:

NM_015459.5(ATL3):c.284G>C (p.Trp95Ser)

Genes: ATL3 (atlastin GTPase 3; minus strand), LNCROPM (lncRNA regulator of PLAAT3 mediated phospholipid metabolism; plus strand). Cytogenetic location: 11q13.1.
Variant type: single nucleotide variant.
Coding change: c.284G>C on transcript NM_015459.5 (MANE Select); coding-DNA position 284, G replaced by C.
Protein change: p.Trp95Ser; replaces tryptophan 95 with serine.
Molecular consequence: missense variant.
Genome position (GRCh38, 1-based): chr11:63,658,882, C>G on the plus strand (G>C on the coding strand, the complement: ATL3 is on the minus strand). VCF-style: chr11-63658882-C-G. GRCh37 (hg19) VCF-style: chr11-63426354-C-G.
Other names: c.230G>C, p.Trp77Ser (NM_001290048.2); short protein forms W77S, W95S.
Identifiers: ClinVar variation 947964 (VCV000947964.9), dbSNP rs1270425581, ClinGen allele CA381030408.
Genomic context (GRCh38, chr11:63,658,882, plus strand): 5'-TCTGGATCAGATCCCCCTCTCCAGGAAAATCCTGTTAACGGTTCTTCTGGGTCACCCAAC[C>G]AATTTGAATGGCCACTTTCCTTCTACAGAAGTAAGAAATTTCTATTAAATCTTAAATTAA-3'
Protein context (NP_056274.3, residues 85-105): YSQKESGHSN[Trp95Ser]LGDPEEPLTG

ClinVar aggregate classification (germline): Uncertain significance (1 of 4 stars; one submission).

Conditions:
Neuropathy, hereditary sensory, type 1F. Also called: Hereditary sensory neuropathy type IF; HSN IF. Identifiers: Orphanet 36386, MedGen C3810194, MONDO:0014286, OMIM 615632.

Submission:

Labcorp Genetics (formerly Invitae), Labcorp
Classification: Uncertain significance for Neuropathy, hereditary sensory, type 1F. Last evaluated: 2019-06-04. Review status: criteria provided, single submitter. Criteria: Invitae Variant Classification Sherloc (09022015). Collection method: clinical testing. Allele origin: germline.
Comment: In summary, the available evidence is currently insufficient to determine the role of this variant in disease. Therefore, it has been classified as a Variant of Uncertain Significance. Algorithms developed to predict the effect of missense changes on protein structure and function (SIFT, PolyPhen-2, Align-GVGD) all suggest that this variant is likely to be disruptive, but these predictions have not been confirmed by published functional studies and their clinical significance is uncertain. This variant has not been reported in the literature in individuals with ATL3-related conditions. This variant is not present in population databases (ExAC no frequency). This sequence change replaces tryptophan with serine at codon 95 of the ATL3 protein (p.Trp95Ser). The tryptophan residue is highly conserved and there is a large physicochemical difference between tryptophan and serine.